The following is an entry in ClinVar:

NM_000361.3(THBD):c.310C>A (p.Pro104Thr)

Gene: THBD (thrombomodulin; minus strand). Cytogenetic location: 20p11.21.
Variant type: single nucleotide variant.
Coding change: c.310C>A on transcript NM_000361.3 (MANE Select); coding-DNA position 310, C replaced by A.
Protein change: p.Pro104Thr; replaces proline 104 with threonine.
Molecular consequence: missense variant.
Genome position (GRCh38, 1-based): chr20:23,049,195, G>T on the plus strand (C>A on the coding strand, the complement: THBD is on the minus strand). VCF-style: chr20-23049195-G-T. GRCh37 (hg19) VCF-style: chr20-23029832-G-T.
Other names: short protein forms P104T.
Identifiers: ClinVar variation 3613348 (VCV003613348.2).
Genomic context (GRCh38, chr20:23,049,195, plus strand): 5'-GTGCCCACCTGCTATAGCTGGTGTTGTTGTCTCCCGTAACCCACTGGAAGCCGCGCAGGG[G>T]CCCGAGGCGCTTGGGGTCGCCGCAGCCGGGTGGCAGCTGCAGGCCGATCCAGAGGCGCCG-3'
Protein context (NP_000352.1, residues 94-114): PGCGDPKRLG[Pro104Thr]LRGFQWVTGD

ClinVar aggregate classification (germline): Uncertain significance (1 of 4 stars; one submission).

Submission:

Labcorp Genetics (formerly Invitae), Labcorp
Classification: Uncertain significance. Last evaluated: 2024-05-15. Review status: criteria provided, single submitter. Criteria: Invitae Variant Classification Sherloc (09022015). Collection method: clinical testing. Allele origin: germline.
Comment: This sequence change replaces proline, which is neutral and non-polar, with threonine, which is neutral and polar, at codon 104 of the THBD protein (p.Pro104Thr). This variant is not present in population databases (gnomAD no frequency). This variant has not been reported in the literature in individuals affected with THBD-related conditions. Advanced modeling of protein sequence and biophysical properties (such as structural, functional, and spatial information, amino acid conservation, physicochemical variation, residue mobility, and thermodynamic stability) performed at Invitae indicates that this missense variant is not expected to disrupt THBD protein function with a negative predictive value of 80%. In summary, the available evidence is currently insufficient to determine the role of this variant in disease. Therefore, it has been classified as a Variant of Uncertain Significance.